The following is an entry in ClinVar:

NM_003701.4(TNFSF11):c.649T>C (p.Tyr217His)

Gene: TNFSF11 (TNF superfamily member 11; plus strand). Cytogenetic location: 13q14.11.
Variant type: single nucleotide variant.
Coding change: c.649T>C on transcript NM_003701.4 (MANE Select); coding-DNA position 649, T replaced by C.
Protein change: p.Tyr217His; replaces tyrosine 217 with histidine.
Molecular consequence: missense variant.
Genome position (GRCh38, 1-based): chr13:42,606,613, T>C. VCF-style: chr13-42606613-T-C. GRCh37 (hg19) VCF-style: chr13-43180749-T-C.
Other names: c.430T>C, p.Tyr144His (NM_033012.4); short protein forms Y217H, Y144H.
Identifiers: ClinVar variation 4740764 (VCV004740764.1).

ClinVar aggregate classification (germline): Uncertain significance (1 of 4 stars; one submission).

gnomAD v4.1: 1 of 1,614,216 alleles (0.000062%); highest among the groups gnomAD compares: Non-Finnish European, 0.000085%; no homozygotes.

Submission:

Labcorp Genetics (formerly Invitae), Labcorp
Classification: Uncertain significance. Last evaluated: 2025-06-24. Review status: criteria provided, single submitter. Criteria: Invitae Variant Classification Sherloc (09022015). Collection method: clinical testing. Allele origin: germline.
Comment: This sequence change replaces tyrosine, which is neutral and polar, with histidine, which is basic and polar, at codon 217 of the TNFSF11 protein (p.Tyr217His). This variant is not present in population databases (gnomAD no frequency). This variant has not been reported in the literature in individuals affected with TNFSF11-related conditions. Invitae Evidence Modeling of protein sequence and biophysical properties (such as structural, functional, and spatial information, amino acid conservation, physicochemical variation, residue mobility, and thermodynamic stability) indicates that this missense variant is expected to disrupt TNFSF11 protein function with a positive predictive value of 80%. In summary, the available evidence is currently insufficient to determine the role of this variant in disease. Therefore, it has been classified as a Variant of Uncertain Significance.